The following is an entry in ClinVar:

ClinVar aggregate classification (germline): Uncertain significance (1 of 4 stars; one submission).

Conditions:
3-methylcrotonyl-CoA carboxylase 1 deficiency (MCC1D). Also called: MCCD TYPE 1; METHYLCROTONYLGLYCINURIA TYPE I; MCC 1 deficiency; 3 Alpha methylcrotonylglycinuria 1. Identifiers: Orphanet 6, MedGen CN028786, MONDO:0008861, OMIM 210200.

Allele frequency attached by ClinVar (database versions not stated): gnomAD exomes below 0.00001.
gnomAD v4.1: 1 of 1,614,176 alleles (0.000062%); highest among the groups gnomAD compares: Non-Finnish European, 0.000085%; no homozygotes.

Submission:

Labcorp Genetics (formerly Invitae), Labcorp
Classification: Uncertain significance for 3-methylcrotonyl-CoA carboxylase 1 deficiency. Last evaluated: 2021-09-20. Review status: criteria provided, single submitter. Criteria: Invitae Variant Classification Sherloc (09022015). Collection method: clinical testing. Allele origin: germline.
Comment: This sequence change replaces threonine with isoleucine at codon 67 of the MCCC1 protein (p.Thr67Ile). The threonine residue is highly conserved and there is a moderate physicochemical difference between threonine and isoleucine. This variant is not present in population databases (ExAC no frequency). This variant has not been reported in the literature in individuals affected with MCCC1-related conditions. Algorithms developed to predict the effect of missense changes on protein structure and function (SIFT, PolyPhen-2, Align-GVGD) all suggest that this variant is likely to be disruptive. In summary, the available evidence is currently insufficient to determine the role of this variant in disease. Therefore, it has been classified as a Variant of Uncertain Significance.

NM_020166.5(MCCC1):c.200C>T (p.Thr67Ile)

Gene: MCCC1 (methylcrotonyl-CoA carboxylase subunit 1; minus strand). Cytogenetic location: 3q27.1.
Variant type: single nucleotide variant.
Coding change: c.200C>T on transcript NM_020166.5 (MANE Select); coding-DNA position 200, C replaced by T.
Protein change: p.Thr67Ile; replaces threonine 67 with isoleucine.
Molecular consequence: missense variant. On other transcripts: non-coding transcript variant (1), intron variant (2).
Genome position (GRCh38, 1-based): chr3:183,092,482, G>A on the plus strand (C>T on the coding strand, the complement: MCCC1 is on the minus strand). VCF-style: chr3-183092482-G-A. GRCh37 (hg19) VCF-style: chr3-182810270-G-A.
Other names: c.-55+2077C>T (NM_001363880.1); c.44+2077C>T (NM_001293273.2); short protein forms T67I.
Identifiers: ClinVar variation 1464121 (VCV001464121.3), dbSNP rs2108565928, ClinGen allele CA355321704.